The following is an entry in ClinVar:

NM_001098512.3(PRKG1):c.-474C>T

Gene: PRKG1 (protein kinase cGMP-dependent 1; plus strand). Cytogenetic location: 10q11.23.
Variant type: single nucleotide variant.
Coding change: c.-474C>T on transcript NM_001098512.3; 474 bases upstream of the start codon, C replaced by T.
Molecular consequence: 5 prime UTR variant.
Genome position (GRCh38, 1-based): chr10:50,990,905, C>T. VCF-style: chr10-50990905-C-T. GRCh37 (hg19) VCF-style: chr10-52750665-C-T.
Identifiers: ClinVar variation 683714 (VCV000683714.3), dbSNP rs2248908, ClinGen allele CA13363460.

ClinVar aggregate classification (germline): Benign (1 of 4 stars; one submission).

Allele frequency attached by ClinVar (database versions not stated): gnomAD exomes 0.81301; 1000 Genomes Project 0.91134; TOPMed 0.90289; 1000 Genomes Project 30x 0.91193.
gnomAD v4.1: 125,551 of 139,976 alleles (90%); highest among the groups gnomAD compares: African/African-American, 95%; 56,408 homozygotes.

Submission:

GeneDx
Classification: Benign. Last evaluated: 2018-06-18. Review status: criteria provided, single submitter. Criteria: GeneDx Variant Classification (06012015). Collection method: clinical testing. Allele origin: germline. Affected: yes.
Comment: This variant is considered likely benign or benign based on one or more of the following criteria: it is a conservative change, it occurs at a poorly conserved position in the protein, it is predicted to be benign by multiple in silico algorithms, and/or has population frequency not consistent with disease.